The following is an entry in ClinVar:

ClinVar aggregate classification (germline): Likely benign. Review status: criteria provided, multiple submitters, no conflicts (2 of 4 stars). 3 submissions from 3 submitters: Likely benign (2). 1 of the submissions does not count toward it. Last evaluated 2026-01-12.

Conditions:
Cardiovascular phenotype. Identifiers: MedGen CN230736.
Dilated cardiomyopathy 1G (CMD1G). Identifiers: Orphanet 154, MedGen C1858763, MONDO:0011400, OMIM 604145.
Autosomal recessive limb-girdle muscular dystrophy type 2J (LGMDR10). Also called: Limb-girdle muscular dystrophy, type 2J; MUSCULAR DYSTROPHY, LIMB-GIRDLE, AUTOSOMAL RECESSIVE 10. Identifiers: Orphanet 140922, MedGen C1837342, MONDO:0012127, OMIM 608807.
TTN-related disorder. Also called: TTN-related condition; TTN-related disease; TTN-related disorders.

Allele frequency attached by ClinVar (database versions not stated): gnomAD 0.00001.
gnomAD v4.1: 36 of 1,600,034 alleles (0.0022%); highest among the groups gnomAD compares: South Asian, 0.04%; 1 homozygote.

Submissions (3):

Labcorp Genetics (formerly Invitae), Labcorp
Classification: Likely benign for Dilated cardiomyopathy 1G; Autosomal recessive limb-girdle muscular dystrophy type 2J. Last evaluated: 2026-01-12. Review status: criteria provided, single submitter. Criteria: Invitae Variant Classification Sherloc (09022015). Collection method: clinical testing. Allele origin: germline.

Ambry Genetics
Classification: Likely benign for Cardiovascular phenotype. Last evaluated: 2019-10-18. Review status: criteria provided, single submitter. Criteria: Ambry Variant Classification Scheme 2023. Collection method: clinical testing. Allele origin: germline.

PreventionGenetics, part of Exact Sciences
Classification: Likely benign for TTN-related condition. Last evaluated: 2022-11-14. Review status: no assertion criteria provided. Collection method: clinical testing. Allele origin: germline. Not counted in ClinVar's aggregate classification.
Comment: This variant is classified as likely benign based on ACMG/AMP sequence variant interpretation guidelines (Richards et al. 2015 PMID: 25741868, with internal and published modifications).

NM_001267550.2(TTN):c.40950A>G (p.Ser13650=)

Gene: TTN (titin; minus strand). Cytogenetic location: 2q31.2.
Variant type: single nucleotide variant.
Coding change: c.40950A>G on transcript NM_001267550.2 (MANE Select); coding-DNA position 40950, A replaced by G.
Protein change: p.Ser13650=; no amino-acid change (serine 13650 retained).
Molecular consequence: synonymous variant.
Genome position (GRCh38, 1-based): chr2:178,636,777, T>C on the plus strand (A>G on the coding strand, the complement: TTN is on the minus strand). VCF-style: chr2-178636777-T-C. GRCh37 (hg19) VCF-style: chr2-179501504-T-C.
Other names: c.36027A>G, p.Ser12009= (NM_001256850.1); c.13755A>G, p.Ser4585= (NM_003319.4); c.33246A>G, p.Ser11082= (NM_133378.4); c.14130A>G, p.Ser4710= (NM_133432.3); c.14331A>G, p.Ser4777= (NM_133437.4).
Identifiers: ClinVar variation 1143817 (VCV001143817.13), dbSNP rs778416722, ClinGen allele CA1996333.
Genomic context (GRCh38, chr2:178,636,777, plus strand): 5'-ATCAGGAGGTTTCTCTCCACCACTTCCTGGCCTTAACTTTCTCCTTTCGGCTTCTATTGG[T>C]GAAGGAGTCTTTTTGGGTACACCTAATTCAAAGTAAAATAAAAAGTTGATTTGGCATCTC-3'
Protein context (NP_001254479.2, residues 13640-13660): PIKGVPKKTP[Ser13650=]PIEAERRKLR